The following is an entry in ClinVar:

NM_001271696.3(ABCB7):c.2059C>T (p.Arg687Cys)

Gene: ABCB7 (ATP binding cassette subfamily B member 7; minus strand). Cytogenetic location: Xq13.3.
Variant type: single nucleotide variant.
Coding change: c.2059C>T on transcript NM_001271696.3 (MANE Select); coding-DNA position 2059, C replaced by T.
Protein change: p.Arg687Cys; replaces arginine 687 with cysteine.
Molecular consequence: missense variant.
Genome position (GRCh38, 1-based): chrX:75,053,570, G>A on the plus strand (C>T on the coding strand, the complement: ABCB7 is on the minus strand). VCF-style: chrX-75053570-G-A. GRCh37 (hg19) VCF-style: chrX-74273405-G-A.
Other names: c.1939C>T, p.Arg647Cys (NM_001271697.3); c.1981C>T, p.Arg661Cys (NM_001271698.3); c.1942C>T, p.Arg648Cys (NM_001271699.3); c.2062C>T, p.Arg688Cys (NM_004299.6); short protein forms R647C, R648C, R661C, R687C, R688C.
Identifiers: ClinVar variation 3899125 (VCV003899125.1).

ClinVar aggregate classification (germline): Uncertain significance (1 of 4 stars; one submission).

gnomAD v4.1: 9 of 1,185,588 alleles (0.00076%); highest among the groups gnomAD compares: Middle Eastern, 0.023%; no homozygotes.

Submission:

GeneDx
Classification: Uncertain significance. Last evaluated: 2024-11-08. Review status: criteria provided, single submitter. Criteria: GeneDx Variant Classification Process June 2021. Collection method: clinical testing. Allele origin: germline. Affected: yes.
Comment: Has not been previously published as pathogenic or benign to our knowledge; In silico analysis supports that this missense variant has a deleterious effect on protein structure/function